The following is an entry in ClinVar:

NM_003072.5(SMARCA4):c.3827del (p.Pro1276fs)

Gene: SMARCA4 (SWI/SNF related BAF chromatin remodeling complex subunit ATPase 4; plus strand). Cytogenetic location: 19p13.2.
Variant type: Deletion.
Coding change: c.3827del on transcript NM_003072.5 (MANE Select); coding-DNA position 3827, one base deleted (C; older notation c.3827delC).
Protein change: p.Pro1276fs; shifts the reading frame from proline 1276.
Molecular consequence: frameshift variant. On other transcripts: intron variant (5).
Genome position (GRCh38, 1-based): chr19:11,033,819, C deleted; the last of 4 consecutive C bases (chr19:11,033,816-11,033,819); deleting any one gives the same sequence. VCF-style (leftmost placement, unchanged base first): chr19-11033815-GC-G. GRCh37 (hg19) VCF-style: chr19-11144491-GC-G.
Other names: c.3827delC (NM_001128849.1); c.3827del, p.Pro1276fs (NM_001128844.3, NM_001128849.3, NM_001387283.1); c.3774+302del (NM_001128847.4, NM_001374457.1, NM_001128845.2 and 2 more transcripts); short protein forms P1276fs.
Identifiers: ClinVar variation 1072508 (VCV001072508.10), dbSNP rs2146666663, ClinGen allele CA2499225293.

ClinVar aggregate classification (germline): Conflicting classifications of pathogenicity. Review status: criteria provided, conflicting classifications (1 of 4 stars). 2 submissions from 2 submitters: Pathogenic (1); Uncertain significance (1). Last evaluated 2025-10-14.

Conditions:
Hereditary cancer-predisposing syndrome. Also called: Tumor predisposition; Hereditary neoplastic syndrome; Neoplastic Syndromes, Hereditary; Hereditary Cancer Syndrome. Identifiers: Orphanet 140162, MedGen C0027672, MeSH D009386, MONDO:0015356.
Rhabdoid tumor predisposition syndrome 2 (RTPS2). Identifiers: Orphanet 231108, Orphanet 69077, MedGen C2750074, MONDO:0013224, OMIM 613325.

Submissions (2):

Ambry Genetics
Classification: Uncertain significance for Hereditary cancer-predisposing syndrome. Last evaluated: 2025-10-14. Review status: criteria provided, single submitter. Criteria: Ambry Variant Classification Scheme 2023. Collection method: clinical testing. Allele origin: germline.
Comment: The c.3827delC variant, located in coding exon 26 of the SMARCA4 gene, results from a deletion of one nucleotide at nucleotide position 3827, causing a translational frameshift with a predicted alternate stop codon (p.P1276Lfs*15). This region of the gene is excluded from other biologically relevant transcripts. Based on the available evidence, the clinical significance of this variant remains unclear.

Labcorp Genetics (formerly Invitae), Labcorp
Classification: Pathogenic for Rhabdoid tumor predisposition syndrome 2. Last evaluated: 2025-09-16. Review status: criteria provided, single submitter. Criteria: Invitae Variant Classification Sherloc (09022015). Collection method: clinical testing. Allele origin: germline.
Comment: This sequence change creates a premature translational stop signal (p.Pro1276Leufs*15) in the SMARCA4 gene. It is expected to result in an absent or disrupted protein product. Loss-of-function variants in SMARCA4 are known to be pathogenic (PMID: 24658001, 24658002). This variant is not present in population databases (gnomAD no frequency). This variant has not been reported in the literature in individuals affected with SMARCA4-related conditions. ClinVar contains an entry for this variant (Variation ID: 1072508). For these reasons, this variant has been classified as Pathogenic.

Literature cited by the submitters: PubMed 24658001 (cited by Labcorp Genetics (formerly Invitae), Labcorp); PubMed 24658002 (cited by Labcorp Genetics (formerly Invitae), Labcorp).